The following is an entry in ClinVar:

NM_001737.5(C9):c.162C>A (p.Cys54Ter)

Gene: C9 (complement C9; minus strand). Cytogenetic location: 5p13.1.
Variant type: single nucleotide variant.
Coding change: c.162C>A on transcript NM_001737.5 (MANE Select); coding-DNA position 162, C replaced by A.
Protein change: p.Cys54Ter; replaces cysteine 54 with a stop codon.
Molecular consequence: nonsense.
Genome position (GRCh38, 1-based): chr5:39,342,112, G>T on the plus strand (C>A on the coding strand, the complement: C9 is on the minus strand). VCF-style: chr5-39342112-G-T. GRCh37 (hg19) VCF-style: chr5-39342214-G-T.
Other names: C9, CYS33TER; C33*; c.162C>A, p.Cys54Ter (LRG_32t1); c.162C>A (NM_001737.4); short protein forms C54*.
Identifiers: ClinVar variation 17041 (VCV000017041.18), dbSNP rs34000044, ClinGen allele CA127043.

ClinVar aggregate classification (germline): Conflicting classifications of pathogenicity. Review status: criteria provided, conflicting classifications (1 of 4 stars). 11 submissions from 11 submitters: Pathogenic (5); Likely pathogenic (3); Uncertain significance (1). 2 of the submissions do not count toward it. Last evaluated 2026-04-01.

Conditions:
C9-related disorders.
C9-related disorder. Also called: C9-related condition.
Age related macular degeneration 15. Also called: MACULAR DEGENERATION, AGE-RELATED, 15, SUSCEPTIBILITY TO. Identifiers: MedGen C3810042, MONDO:0014266, OMIM 615591.
Complement component 9 deficiency (C9D). Also called: C9 deficiency. Identifiers: MedGen C3151189, MONDO:0013445, OMIM 613825.
Primary ciliary dyskinesia. Also called: Ciliary dyskinesia. Identifiers: Orphanet 244, MedGen C0008780, MONDO:0016575, HP:0012265.

Allele frequency attached by ClinVar (database versions not stated): 1000 Genomes Project 30x 0.00047; TOPMed 0.00100; 1000 Genomes Project 0.00040.

Submissions (11):

Department of Human Genetics, Hannover Medical School
Classification: Uncertain significance for Primary Ciliary Dyskinesia. Last evaluated: 2026-04-01. Review status: criteria provided, single submitter. Criteria: ACMG Guidelines, 2015. Collection method: research. Allele origin: germline. Affected: no.
Comment: Classification performed by HerediClassify using the following criteria:['PM2_supporting: Variant occures does not occur as homozygous in gnomAD.', 'PVS1_protein_strong: Transcript ENST00000263408 is not predicted to undergo NMD. Protein length change of 0.9051878354203936 observed.']

Labcorp Genetics (formerly Invitae), Labcorp
Classification: Pathogenic. Last evaluated: 2026-02-01. Review status: criteria provided, single submitter. Criteria: Invitae Variant Classification Sherloc (09022015). Collection method: clinical testing. Allele origin: germline.
Comment: This sequence change creates a premature translational stop signal (p.Cys54*) in the C9 gene. It is expected to result in an absent or disrupted protein product. Loss-of-function variants in C9 are known to be pathogenic (PMID: 9144525, 9570574). This variant is present in population databases (rs34000044, gnomAD 0.1%), and has an allele count higher than expected for a pathogenic variant. This premature translational stop signal has been observed in individual(s) with C9-deficiency (PMID: 9144525, 9634479). ClinVar contains an entry for this variant (Variation ID: 17041). For these reasons, this variant has been classified as Pathogenic.

Blueprint Genetics
Classification: Likely pathogenic for C9-related disorders. Last evaluated: 2024-11-12. Review status: criteria provided, single submitter. Criteria: ACMG Guidelines, 2015. Collection method: clinical testing. Allele origin: germline. Affected: yes. Observed: 5 variant alleles.

Laboratory for Molecular Medicine, Mass General Brigham Personalized Medicine
Classification: Pathogenic for Complement component 9 deficiency. Last evaluated: 2023-07-28. Review status: criteria provided, single submitter. Criteria: ACMG Guidelines, 2015. Collection method: clinical testing. Allele origin: germline. Inheritance: Autosomal recessive inheritance.
Comment: The p.Cys54X variant in C9 has been reported in at least 2 compound heterozygous individuals with C9 deficiency and segregated with disease at least 1 affected family member (selected publications: Hobart 1997 PMID: 9182899, Witzel-Schlomp 1997 PMID: 9144525, Witzel-Schlömp 1998 PMID: 9634479). It has been identified in 0.2% (22/10620) of Finnish chromosomes by gnomAD v3.1.2 and has also been reported in ClinVar (Variation ID 17041). This nonsense variant leads to a premature termination codon at position 54, which is predicted to lead to a truncated or absent protein. Loss of function of the C9 gene is an established disease mechanism in autosomal recessive C9 deficiency. In summary, this variant meets criteria to be classified as pathogenic for autosomal recessive C9 deficiency. ACMG/AMP criteria applied: PVS1, PM3, PP1

Department of Pathology and Laboratory Medicine, Sinai Health System
Classification: Pathogenic for Complement component 9 deficiency. Last evaluated: 2023-04-14. Review status: criteria provided, single submitter. Criteria: ACMG Guidelines, 2015. Collection method: research. Allele origin: germline.

Clinical Genetics Laboratory, Skane University Hospital Lund
Classification: Pathogenic. Last evaluated: 2022-05-27. Review status: criteria provided, single submitter. Criteria: ACMG Guidelines, 2015. Collection method: clinical testing. Allele origin: germline. Affected: yes.

Fulgent Genetics
Classification: Likely pathogenic for Complement component 9 deficiency; Age related macular degeneration 15. Last evaluated: 2022-04-07. Review status: criteria provided, single submitter. Criteria: ACMG Guidelines, 2015. Collection method: clinical testing. Allele origin: unknown.

ITMI
Classification: Likely pathogenic for Complement Component 9 deficiency. Last evaluated: 2017-02-28. Review status: criteria provided, single submitter. Criteria: Submitter's publication. Collection method: research. Allele origin: germline.

GeneDx
Classification: Pathogenic. Last evaluated: 2015-04-14. Review status: criteria provided, single submitter. Criteria: GeneDx Variant Classification (06012015). Collection method: clinical testing. Allele origin: germline. Affected: yes.
Comment: The C54X variant in the C9 gene has been reported previously in association with complement 9 deficiency (Witzel-Schlomp et al., 1997). This variant is predicted to cause loss of normal protein function either through protein truncation or nonsense-mediated mRNA decay. The NHLBI ESP Exome Sequencing Project reports C54X was observed at a frequency of 0.24%, 21/8600 alleles from individuals of European ancestry, and at a frequency of 0.11%, 5/4406 alleles from individuals of African American ancestry indicating it may be a rare variant in this population. We interpret C54X as a pathogenic variant.

PreventionGenetics, part of Exact Sciences
Classification: Pathogenic for C9-related condition. Last evaluated: 2024-09-06. Review status: no assertion criteria provided. Collection method: clinical testing. Allele origin: germline. Not counted in ClinVar's aggregate classification.
Comment: The C9 c.162C>A variant is predicted to result in premature protein termination (p.Cys54*). This variant has been reported to be causative for complement 9 deficiency (reported as AA33, Witzel-Schlömp et al. 1997. PubMed ID: 9144525). This variant is reported in 0.14% of alleles in individuals of European (Finnish) descent in gnomAD. Nonsense variants in C9 are expected to be pathogenic. This variant is interpreted as pathogenic.

OMIM
Classification: Pathogenic for C9 DEFICIENCY. Last evaluated: 1998-07-01. Review status: no assertion criteria provided. Collection method: literature only. Allele origin: germline. Not counted in ClinVar's aggregate classification.

Literature cited by the submitters: PubMed 9144525 (cited by 3 submitters); PubMed 9570574 (cited by Labcorp Genetics (formerly Invitae), Labcorp); PubMed 9634479 (cited by 3 submitters); PubMed 9182899 (cited by Laboratory for Molecular Medicine, Mass General Brigham Personalized Medicine and OMIM); PubMed 2241452 (cited by OMIM).